The following is an entry in ClinVar:

NM_000350.3(ABCA4):c.2790C>A (p.Cys930Ter)

Gene: ABCA4 (ATP binding cassette subfamily A member 4; minus strand). Cytogenetic location: 1p22.1.
Variant type: single nucleotide variant.
Coding change: c.2790C>A on transcript NM_000350.3 (MANE Select); coding-DNA position 2790, C replaced by A.
Protein change: p.Cys930Ter; replaces cysteine 930 with a stop codon.
Molecular consequence: nonsense.
Genome position (GRCh38, 1-based): chr1:94,047,047, G>T on the plus strand (C>A on the coding strand, the complement: ABCA4 is on the minus strand). VCF-style: chr1-94047047-G-T. GRCh37 (hg19) VCF-style: chr1-94512603-G-T.
Other names: c.2568C>A, p.Cys856Ter (NM_001425324.1); short protein forms C856*, C930*.
Identifiers: ClinVar variation 3638023 (VCV003638023.3).

ClinVar aggregate classification (germline): Pathogenic. Review status: criteria provided, multiple submitters, no conflicts (2 of 4 stars). 2 submissions from 2 submitters: Pathogenic (2). Last evaluated 2026-09-01.

Conditions:
Severe early-childhood-onset retinal dystrophy (STGD1). Also called: Stargardt macular dystrophy; Juvenile onset macular degeneration; Stargardt disease 1; MACULAR DYSTROPHY WITH FLECKS, TYPE 1; STGD. Identifiers: Orphanet 364055, Orphanet 827, MedGen C1855465, MeSH D000080362, MONDO:0009549, OMIM 248200.

Submissions (2):

MVZ Martinsried, Medicover Genetics
Classification: Pathogenic for Severe early-childhood-onset retinal dystrophy. Last evaluated: 2026-09-01. Review status: criteria provided, single submitter. Criteria: ClinGen Variant Curation SOP V3.2 + Classification Guidance July2025. Collection method: clinical testing. Allele origin: unknown. Affected: yes. Observed: 1 compound heterozygote.

Labcorp Genetics (formerly Invitae), Labcorp
Classification: Pathogenic. Last evaluated: 2024-02-01. Review status: criteria provided, single submitter. Criteria: Invitae Variant Classification Sherloc (09022015). Collection method: clinical testing. Allele origin: germline.
Comment: This sequence change creates a premature translational stop signal (p.Cys930*) in the ABCA4 gene. It is expected to result in an absent or disrupted protein product. Loss-of-function variants in ABCA4 are known to be pathogenic (PMID: 10958761, 24938718, 25312043, 26780318). This variant is not present in population databases (gnomAD no frequency). This variant has not been reported in the literature in individuals affected with ABCA4-related conditions. For these reasons, this variant has been classified as Pathogenic.

Literature cited by the submitters: PubMed 10958761 (cited by Labcorp Genetics (formerly Invitae), Labcorp); PubMed 24938718 (cited by Labcorp Genetics (formerly Invitae), Labcorp); PubMed 25312043 (cited by Labcorp Genetics (formerly Invitae), Labcorp); PubMed 26780318 (cited by Labcorp Genetics (formerly Invitae), Labcorp).